The following is an entry in ClinVar:

NM_031407.7(HUWE1):c.8996C>T (p.Pro2999Leu)

Gene: HUWE1 (HECT, UBA and WWE domain containing E3 ubiquitin protein ligase 1; minus strand). Cytogenetic location: Xp11.22.
Variant type: single nucleotide variant.
Coding change: c.8996C>T on transcript NM_031407.7 (MANE Select); coding-DNA position 8996, C replaced by T.
Protein change: p.Pro2999Leu; replaces proline 2999 with leucine.
Molecular consequence: missense variant.
Genome position (GRCh38, 1-based): chrX:53,551,366, G>A on the plus strand (C>T on the coding strand, the complement: HUWE1 is on the minus strand). VCF-style: chrX-53551366-G-A. GRCh37 (hg19) VCF-style: chrX-53578327-G-A.
Other names: short protein forms P2999L.
Identifiers: ClinVar variation 1315264 (VCV001315264.4), dbSNP rs2147297862, ClinGen allele CA413143321.

ClinVar aggregate classification (germline): Uncertain significance. Review status: criteria provided, multiple submitters, no conflicts (2 of 4 stars). 2 submissions from 2 submitters: Uncertain significance (2). Last evaluated 2025-12-16.

Conditions:
Inborn genetic diseases. Identifiers: MedGen C0950123, MeSH D030342.

Submissions (2):

Ambry Genetics
Classification: Uncertain significance for Inborn genetic diseases. Last evaluated: 2025-12-16. Review status: criteria provided, single submitter. Criteria: Ambry Variant Classification Scheme 2023. Collection method: clinical testing. Allele origin: germline.

GeneDx
Classification: Uncertain significance. Last evaluated: 2024-04-29. Review status: criteria provided, single submitter. Criteria: GeneDx Variant Classification Process June 2021. Collection method: clinical testing. Allele origin: germline. Affected: yes.
Comment: Not observed at significant frequency in large population cohorts (gnomAD); In silico analysis supports that this missense variant does not alter protein structure/function; Has not been previously published as pathogenic or benign to our knowledge